The following is an entry in ClinVar:

NM_013322.3(SNX10):c.259A>G (p.Asn87Asp)

Gene: SNX10 (sorting nexin 10; plus strand). Cytogenetic location: 7p15.2.
Variant type: single nucleotide variant.
Coding change: c.259A>G on transcript NM_013322.3 (MANE Select); coding-DNA position 259, A replaced by G.
Protein change: p.Asn87Asp; replaces asparagine 87 with aspartic acid.
Molecular consequence: missense variant.
Genome position (GRCh38, 1-based): chr7:26,365,093, A>G. VCF-style: chr7-26365093-A-G. GRCh37 (hg19) VCF-style: chr7-26404713-A-G.
Other names: c.259A>G, p.Asn87Asp (NM_001199835.1, NM_001318199.3); c.250A>G, p.Asn84Asp (NM_001199837.3); c.7A>G, p.Asn3Asp (NM_001199838.2); c.337A>G, p.Asn113Asp (NM_001318198.1, NM_001362753.1, NM_001362754.1); short protein forms N113D, N84D, N3D, N87D.
Identifiers: ClinVar variation 1516114 (VCV001516114.6), dbSNP rs1300376238, ClinGen allele CA367228356.

ClinVar aggregate classification (germline): Uncertain significance (1 of 4 stars; one submission).

Allele frequency attached by ClinVar (database versions not stated): gnomAD exomes below 0.00001 and 0.00002; gnomAD 0.00001.
gnomAD v4.1: 27 of 1,613,408 alleles (0.0017%); highest among the groups gnomAD compares: Non-Finnish European, 0.0023%; no homozygotes.

Submission:

Labcorp Genetics (formerly Invitae), Labcorp
Classification: Uncertain significance. Last evaluated: 2024-07-29. Review status: criteria provided, single submitter. Criteria: Invitae Variant Classification Sherloc (09022015). Collection method: clinical testing. Allele origin: germline.
Comment: This sequence change replaces asparagine, which is neutral and polar, with aspartic acid, which is acidic and polar, at codon 87 of the SNX10 protein (p.Asn87Asp). This variant is present in population databases (no rsID available, gnomAD 0.002%). This variant has not been reported in the literature in individuals affected with SNX10-related conditions. ClinVar contains an entry for this variant (Variation ID: 1516114). An algorithm developed to predict the effect of missense changes on protein structure and function (PolyPhen-2) suggests that this variant is likely to be disruptive. In summary, the available evidence is currently insufficient to determine the role of this variant in disease. Therefore, it has been classified as a Variant of Uncertain Significance.